The following is an entry in ClinVar:

ClinVar aggregate classification (germline): Uncertain significance (1 of 4 stars; one submission).

Conditions:
Capillary malformation-arteriovenous malformation syndrome. Also called: Capillary malformation-arteriovenous malformation. Identifiers: Orphanet 137667, MedGen C1842180, MONDO:0012016.

Submission:

Labcorp Genetics (formerly Invitae), Labcorp
Classification: Uncertain significance for Capillary malformation-arteriovenous malformation syndrome. Last evaluated: 2026-01-04. Review status: criteria provided, single submitter. Criteria: Invitae Variant Classification Sherloc (09022015). Collection method: clinical testing. Allele origin: germline.
Comment: This sequence change replaces glutamine, which is neutral and polar, with arginine, which is basic and polar, at codon 592 of the RASA1 protein (p.Gln592Arg). This variant is not present in population databases (gnomAD no frequency). This variant has not been reported in the literature in individuals affected with RASA1-related conditions. An algorithm developed to predict the effect of missense changes on protein structure and function (PolyPhen-2) suggests that this variant is likely to be tolerated. Algorithms developed to predict the effect of sequence changes on RNA splicing suggest that this variant may disrupt the consensus splice site. In summary, the available evidence is currently insufficient to determine the role of this variant in disease. Therefore, it has been classified as a Variant of Uncertain Significance.

NM_002890.3(RASA1):c.1775A>G (p.Gln592Arg)

Genes: CCNH (cyclin H; minus strand), RASA1 (RAS p21 protein activator 1; plus strand). Cytogenetic location: 5q14.3.
Variant type: single nucleotide variant.
Coding change: c.1775A>G on transcript NM_002890.3 (MANE Select); coding-DNA position 1775, A replaced by G.
Protein change: p.Gln592Arg; replaces glutamine 592 with arginine.
Molecular consequence: missense variant. On other transcripts: intron variant (1).
Genome position (GRCh38, 1-based): chr5:87,372,194, A>G. VCF-style: chr5-87372194-A-G. GRCh37 (hg19) VCF-style: chr5-86668011-A-G.
Other names: c.1244A>G, p.Gln415Arg (NM_022650.3); c.933+22850T>C (NM_001364075.2); short protein forms Q592R, Q415R.
Identifiers: ClinVar variation 4742853 (VCV004742853.1).